The following is an entry in ClinVar:

NM_012232.6(CAVIN1):c.540G>A (p.Glu180=)

Gene: CAVIN1 (caveolae associated protein 1; minus strand). Cytogenetic location: 17q21.2.
Variant type: single nucleotide variant.
Coding change: c.540G>A on transcript NM_012232.6 (MANE Select); coding-DNA position 540, G replaced by A.
Protein change: p.Glu180=; no amino-acid change (glutamic acid 180 retained).
Molecular consequence: synonymous variant.
Genome position (GRCh38, 1-based): chr17:42,405,320, C>T on the plus strand (G>A on the coding strand, the complement: CAVIN1 is on the minus strand). VCF-style: chr17-42405320-C-T. GRCh37 (hg19) VCF-style: chr17-40557338-C-T.
Identifiers: ClinVar variation 436447 (VCV000436447.25), dbSNP rs143511306, ClinGen allele CA8575844.

ClinVar aggregate classification (germline): Conflicting classifications of pathogenicity. Review status: criteria provided, conflicting classifications (1 of 4 stars). 11 submissions from 11 submitters: Uncertain significance (2); Benign (1); Likely benign (4). 4 of the submissions do not count toward it. Last evaluated 2026-09-01.

Conditions:
Congenital generalized lipodystrophy type 4. Also called: BERARDINELLI-SEIP CONGENITAL LIPODYSTROPHY, TYPE 4, WITH MUSCULAR DYSTROPHY. Identifiers: Orphanet 228429, MedGen C2750069, MONDO:0013225, OMIM 613327.
CAVIN1-related disorder. Also called: CAVIN1-related condition.

Allele frequency attached by ClinVar (database versions not stated): 1000 Genomes Project 30x 0.00047; 1000 Genomes Project 0.00060; ExAC 0.00100; ESP Exome Variant Server 0.00100; gnomAD exomes 0.00112 and 0.00229; gnomAD 0.00123 and 0.00124; TOPMed 0.00141.
gnomAD v4.1: 3,468 of 1,611,220 alleles (0.22%); highest among the groups gnomAD compares: Non-Finnish European, 0.28%; 2 homozygotes.

Submissions (11):

CeGaT Center for Human Genetics Tuebingen
Classification: Likely benign. Last evaluated: 2026-09-01. Review status: criteria provided, single submitter. Criteria: CeGaT Center For Human Genetics Tuebingen Variant Classification Criteria Version 2. Collection method: clinical testing. Allele origin: germline. Affected: yes. Observed: 1 variant allele.
Comment: CAVIN1: BP4, BP7

Labcorp Genetics (formerly Invitae), Labcorp
Classification: Likely benign. Last evaluated: 2026-01-26. Review status: criteria provided, single submitter. Criteria: Invitae Variant Classification Sherloc (09022015). Collection method: clinical testing. Allele origin: germline.

Athena Diagnostics
Classification: Benign. Last evaluated: 2025-10-01. Review status: criteria provided, single submitter. Criteria: Athena Diagnostics Criteria. Collection method: clinical testing. Allele origin: unknown.
Comment: The frequency of this variant in the general population is higher than would generally be expected for pathogenic variants in this gene. Computational tools yielded predictions that this variant is unlikely to have an effect on normal RNA splicing. This nucleotide position exhibits low evolutionary conservation.

Blueprint Genetics
Classification: Likely benign. Last evaluated: 2024-11-20. Review status: criteria provided, single submitter. Criteria: ACMG Guidelines, 2015. Collection method: clinical testing. Allele origin: germline.

GeneDx
Classification: Likely benign. Last evaluated: 2021-02-16. Review status: criteria provided, single submitter. Criteria: GeneDx Variant Classification Process June 2021. Collection method: clinical testing. Allele origin: germline. Affected: yes.

Illumina Laboratory Services, Illumina
Classification: Uncertain significance for Congenital generalized lipodystrophy type 4. Last evaluated: 2018-01-13. Review status: criteria provided, single submitter. Criteria: ICSL Variant Classification Criteria 13 December 2019. Collection method: clinical testing. Allele origin: germline.

Genetic Services Laboratory, University of Chicago
Classification: Uncertain significance. Last evaluated: 2015-08-17. Review status: criteria provided, single submitter. Criteria: ACMG Guidelines, 2015. Collection method: clinical testing. Allele origin: germline. Affected: no.

PreventionGenetics, part of Exact Sciences
Classification: Likely benign for CAVIN1-related condition. Last evaluated: 2019-05-22. Review status: no assertion criteria provided. Collection method: clinical testing. Allele origin: germline. Not counted in ClinVar's aggregate classification.
Comment: This variant is classified as likely benign based on ACMG/AMP sequence variant interpretation guidelines (Richards et al. 2015 PMID: 25741868, with internal and published modifications).

Clinical Genetics DNA and cytogenetics Diagnostics Lab, Erasmus MC, Erasmus Medical Center
Classification: Likely benign. Review status: no assertion criteria provided. Collection method: clinical testing. Allele origin: germline. Affected: yes. Study: VKGL Data-share Consensus. Not counted in ClinVar's aggregate classification.

Department of Pathology and Laboratory Medicine, Sinai Health System
Classification: Uncertain significance. Review status: no assertion criteria provided. Collection method: clinical testing. Allele origin: unknown. Affected: yes. Study: The Canadian Open Genetics Repository (COGR). Not counted in ClinVar's aggregate classification.

Genome Diagnostics Laboratory, University Medical Center Utrecht
Classification: Likely benign. Review status: no assertion criteria provided. Collection method: clinical testing. Allele origin: germline. Affected: yes. Study: VKGL Data-share Consensus. Not counted in ClinVar's aggregate classification.